The following is an entry in ClinVar:

NM_002617.4(PEX10):c.724C>T (p.Arg242Trp)

Gene: PEX10 (peroxisomal biogenesis factor 10; minus strand). Cytogenetic location: 1p36.32.
Variant type: single nucleotide variant.
Coding change: c.724C>T on transcript NM_002617.4 (MANE Select); coding-DNA position 724, C replaced by T.
Protein change: p.Arg242Trp; replaces arginine 242 with tryptophan.
Molecular consequence: missense variant. On other transcripts: non-coding transcript variant (1).
Genome position (GRCh38, 1-based): chr1:2,406,772, G>A on the plus strand (C>T on the coding strand, the complement: PEX10 is on the minus strand). VCF-style: chr1-2406772-G-A. GRCh37 (hg19) VCF-style: chr1-2338211-G-A.
Other names: c.781C>T, p.Arg261Trp (NM_001374425.1); c.349C>T, p.Arg117Trp (NM_001374426.1); c.292C>T, p.Arg98Trp (NM_001374427.1); c.784C>T, p.Arg262Trp (NM_153818.2); c.784C>T (NM_153818.1); short protein forms R98W, R242W, R261W, R117W, R262W.
Identifiers: ClinVar variation 1037458 (VCV001037458.5), dbSNP rs745818681, ClinGen allele CA538058.

ClinVar aggregate classification (germline): Uncertain significance. Review status: criteria provided, multiple submitters, no conflicts (2 of 4 stars). 4 submissions from 4 submitters: Uncertain significance (3). 1 of the submissions does not count toward it. Last evaluated 2025-04-25.

Conditions:
Zellweger spectrum disorders (ZS). Also called: Zellweger Spectrum Disorder; Zellweger Spectrum; Zellweger syndrome; Zellweger Spectrum Disorder (ZSD). Identifiers: Orphanet 912, MedGen C0043459, MONDO:0019609.
PEX10-related disorder. Also called: PEX10-related condition.
Peroxisome biogenesis disorder, complementation group 7 (CG7). Also called: Peroxisome biogenesis disorder, complementation group B. Identifiers: MedGen C1864399.

Allele frequency attached by ClinVar (database versions not stated): TOPMed 0.00001; ExAC 0.00003; gnomAD exomes 0.00003.
gnomAD v4.1: 13 of 1,609,900 alleles (0.00081%); highest among the groups gnomAD compares: Admixed American, 0.015%; no homozygotes.

Submissions (4):

PreventionGenetics, part of Exact Sciences
Classification: Uncertain significance for PEX10-related condition. Last evaluated: 2025-04-25. Review status: criteria provided, single submitter. Criteria: ACMG Guidelines, 2015. Collection method: clinical testing. Allele origin: germline.
Comment: The PEX10 c.784C>T variant is predicted to result in the amino acid substitution p.Arg262Trp. To our knowledge, this variant has not been reported in the literature. This variant is reported in 0.021% of alleles in individuals of Latino descent in gnomAD. At this time, the clinical significance of this variant is uncertain due to the absence of conclusive functional and genetic evidence.

Blueprint Genetics
Classification: Uncertain significance. Last evaluated: 2022-12-01. Review status: criteria provided, single submitter. Criteria: ACMG Guidelines, 2015. Collection method: clinical testing. Allele origin: germline.

Labcorp Genetics (formerly Invitae), Labcorp
Classification: Uncertain significance for Peroxisome biogenesis disorder, complementation group 7. Last evaluated: 2022-10-04. Review status: criteria provided, single submitter. Criteria: Invitae Variant Classification Sherloc (09022015). Collection method: clinical testing. Allele origin: germline.
Comment: This sequence change replaces arginine, which is basic and polar, with tryptophan, which is neutral and slightly polar, at codon 262 of the PEX10 protein (p.Arg262Trp). The frequency data for this variant in the population databases is considered unreliable, as metrics indicate poor data quality at this position in the gnomAD database. This variant has not been reported in the literature in individuals affected with PEX10-related conditions. ClinVar contains an entry for this variant (Variation ID: 1037458). Algorithms developed to predict the effect of missense changes on protein structure and function are either unavailable or do not agree on the potential impact of this missense change (SIFT: "Deleterious"; PolyPhen-2: "Probably Damaging"; Align-GVGD: "Class C15"). In summary, the available evidence is currently insufficient to determine the role of this variant in disease. Therefore, it has been classified as a Variant of Uncertain Significance.

Natera, Inc.
Classification: Uncertain significance for Zellweger syndrome. Last evaluated: 2020-01-02. Review status: no assertion criteria provided. Collection method: clinical testing. Allele origin: germline. Not counted in ClinVar's aggregate classification.